The following is an entry in ClinVar:

ClinVar aggregate classification (germline): Uncertain significance (1 of 4 stars; one submission).

Conditions:
Sulfite oxidase deficiency due to molybdenum cofactor deficiency type C. Also called: Molybdenum cofactor deficiency, complementation group C; Molybdenum cofactor deficiency C. Identifiers: Orphanet 308400, Orphanet 833, MedGen C1854990, MONDO:0014212, OMIM 615501.

Allele frequency attached by ClinVar (database versions not stated): TOPMed below 0.00001; ExAC 0.00001; gnomAD exomes 0.00001; gnomAD 0.00002.
gnomAD v4.1: 18 of 1,613,768 alleles (0.0011%); highest among the groups gnomAD compares: Admixed American, 0.0033%; no homozygotes.

Submission:

Labcorp Genetics (formerly Invitae), Labcorp
Classification: Uncertain significance for Sulfite oxidase deficiency due to molybdenum cofactor deficiency type C. Last evaluated: 2025-10-13. Review status: criteria provided, single submitter. Criteria: Invitae Variant Classification Sherloc (09022015). Collection method: clinical testing. Allele origin: germline.
Comment: This sequence change replaces methionine, which is neutral and non-polar, with valine, which is neutral and non-polar, at codon 736 of the GPHN protein (p.Met736Val). This variant is present in population databases (rs773187265, gnomAD 0.003%). This variant has not been reported in the literature in individuals affected with GPHN-related conditions. ClinVar contains an entry for this variant (Variation ID: 2140309). Invitae Evidence Modeling of protein sequence and biophysical properties (such as structural, functional, and spatial information, amino acid conservation, physicochemical variation, residue mobility, and thermodynamic stability) indicates that this missense variant is not expected to disrupt GPHN protein function with a negative predictive value of 80%. In summary, the available evidence is currently insufficient to determine the role of this variant in disease. Therefore, it has been classified as a Variant of Uncertain Significance.

NM_020806.5(GPHN):c.2206A>G (p.Met736Val)

Gene: GPHN (gephyrin; plus strand). Cytogenetic location: 14q23.3.
Variant type: single nucleotide variant.
Coding change: c.2206A>G on transcript NM_020806.5 (MANE Select); coding-DNA position 2206, A replaced by G.
Protein change: p.Met736Val; replaces methionine 736 with valine.
Molecular consequence: missense variant.
Genome position (GRCh38, 1-based): chr14:67,180,833, A>G. VCF-style: chr14-67180833-A-G. GRCh37 (hg19) VCF-style: chr14-67647550-A-G.
Other names: c.2107A>G, p.Met703Val (NM_001024218.2); c.2266A>G, p.Met756Val (NM_001377514.1); c.2236A>G, p.Met746Val (NM_001377515.1); c.2227A>G, p.Met743Val (NM_001377516.1); c.2179A>G, p.Met727Val (NM_001377517.1); c.2164A>G, p.Met722Val (NM_001377518.1); c.2146A>G, p.Met716Val (NM_001377519.1); short protein forms M736V, M746V, M716V, M722V, M727V, M703V, M743V, M756V.
Identifiers: ClinVar variation 2140309 (VCV002140309.4), dbSNP rs773187265, ClinGen allele CA7234315.